The following is an entry in ClinVar:

NM_145239.3(PRRT2):c.936_965del (p.Ala313_Val322del)

Genes: MVP-DT (MVP divergent transcript; minus strand), PRRT2 (proline rich transmembrane protein 2; plus strand). Cytogenetic location: 16p11.2.
Variant type: Deletion.
Coding change: c.936_965del on transcript NM_145239.3 (MANE Select); coding-DNA positions 936 to 965, 30 bases deleted (AGCCAAGCTCTTAAGCATCGTGGCGCTGGT).
Protein change: p.Ala313_Val322del.
Molecular consequence: inframe deletion. On other transcripts: 3 prime UTR variant (1).
Genome position (GRCh38, 1-based): chr16:29,814,389-29,814,418, AGCCAAGCTCTTAAGCATCGTGGCGCTGGT deleted; deleting any 30 consecutive bases within chr16:29,814,386-29,814,418 gives the same sequence; the c. name uses the placement nearest the transcript's 3' end. VCF-style (leftmost placement, unchanged base first): chr16-29814385-GGGTAGCCAAGCTCTTAAGCATCGTGGCGCT-G. GRCh37 (hg19) VCF-style: chr16-29825706-GGGTAGCCAAGCTCTTAAGCATCGTGGCGCT-G.
Other names: c.936_965del, p.Ala313_Val322del (NM_001256442.2); c.*435_*464del (NM_001256443.2).
Identifiers: ClinVar variation 2919648 (VCV002919648.3), dbSNP rs1900139189, ClinGen allele CA2216294523.

ClinVar aggregate classification (germline): Pathogenic (1 of 4 stars; one submission).

Conditions:
Episodic kinesigenic dyskinesia (EKD). Also called: Paroxysmal kinesigenic dyskinesia. Identifiers: Orphanet 98809, MedGen C1868682, MONDO:0044202.

Submission:

Labcorp Genetics (formerly Invitae), Labcorp
Classification: Pathogenic for Episodic kinesigenic dyskinesia. Last evaluated: 2023-05-16. Review status: criteria provided, single submitter. Criteria: Invitae Variant Classification Sherloc (09022015). Collection method: clinical testing. Allele origin: germline.
Comment: This variant disrupts a region of the PRRT2 protein in which other variant(s) (p.Ser317Asn) have been determined to be pathogenic (PMID: 22243967, 31124310). This suggests that this is a clinically significant region of the protein, and that variants that disrupt it are likely to be disease-causing. For these reasons, this variant has been classified as Pathogenic. Algorithms developed to predict the effect of sequence changes on RNA splicing suggest that this variant may disrupt the consensus splice site. This variant has not been reported in the literature in individuals affected with PRRT2-related conditions. This variant is not present in population databases (gnomAD no frequency). This variant, c.936_965del, results in the deletion of 10 amino acid(s) of the PRRT2 protein (p.Ala313_Val322del), but otherwise preserves the integrity of the reading frame.

Literature cited by the submitters: PubMed 22243967; PubMed 31124310.